The following is an entry in ClinVar:

ClinVar aggregate classification (germline): Uncertain significance. Review status: criteria provided, multiple submitters, no conflicts (2 of 4 stars). 4 submissions from 4 submitters: Uncertain significance (4). Last evaluated 2023-05-23.

Conditions:
Autoinflammatory syndrome. Identifiers: Orphanet 93665, MedGen C3890737, MONDO:0019751.
Inborn genetic diseases. Identifiers: MedGen C0950123, MeSH D030342.
Familial hemophagocytic lymphohistiocytosis 2 (FHL2). Also called: PRF1-Related Familial Hemophagocytic Lymphohistiocytosis (PRF1-fHLH). Identifiers: Orphanet 540, MedGen C1863727, MONDO:0011337, OMIM 603553.

Allele frequency attached by ClinVar (database versions not stated): gnomAD 0.00015 and 0.00013; ESP Exome Variant Server 0.00031; gnomAD exomes 0.00007; ExAC 0.00008; TOPMed 0.00013.
gnomAD v4.1: 88 of 1,614,140 alleles (0.0055%); highest among the groups gnomAD compares: African/African-American, 0.039%; no homozygotes.

Submissions (4):

Ambry Genetics
Classification: Uncertain significance for Inborn genetic diseases. Last evaluated: 2023-05-23. Review status: criteria provided, single submitter. Criteria: Ambry Variant Classification Scheme 2023. Collection method: clinical testing. Allele origin: germline.

Blueprint Genetics
Classification: Uncertain significance. Last evaluated: 2022-10-25. Review status: criteria provided, single submitter. Criteria: ACMG Guidelines, 2015. Collection method: clinical testing. Allele origin: germline.

Labcorp Genetics (formerly Invitae), Labcorp
Classification: Uncertain significance for Familial hemophagocytic lymphohistiocytosis 2. Last evaluated: 2021-12-21. Review status: criteria provided, single submitter. Criteria: Invitae Variant Classification Sherloc (09022015). Collection method: clinical testing. Allele origin: germline.
Comment: This sequence change replaces threonine, which is neutral and polar, with methionine, which is neutral and non-polar, at codon 289 of the PRF1 protein (p.Thr289Met). This variant is present in population databases (rs150628656, gnomAD 0.06%). This variant has not been reported in the literature in individuals affected with PRF1-related conditions. ClinVar contains an entry for this variant (Variation ID: 660806). Algorithms developed to predict the effect of missense changes on protein structure and function are either unavailable or do not agree on the potential impact of this missense change (SIFT: "Tolerated"; PolyPhen-2: "Possibly Damaging"; Align-GVGD: "Class C0"). In summary, the available evidence is currently insufficient to determine the role of this variant in disease. Therefore, it has been classified as a Variant of Uncertain Significance.

Genome Diagnostics Laboratory, The Hospital for Sick Children
Classification: Uncertain significance for Autoinflammatory syndrome. Last evaluated: 2016-12-12. Review status: criteria provided, single submitter. Criteria: ACMG Guidelines, 2015. Collection method: clinical testing. Allele origin: germline. Affected: yes.

NM_001083116.3(PRF1):c.866C>T (p.Thr289Met)

Gene: PRF1 (perforin 1; minus strand). Cytogenetic location: 10q22.1.
Variant type: single nucleotide variant.
Coding change: c.866C>T on transcript NM_001083116.3 (MANE Select); coding-DNA position 866, C replaced by T.
Protein change: p.Thr289Met; replaces threonine 289 with methionine.
Molecular consequence: missense variant.
Genome position (GRCh38, 1-based): chr10:70,598,855, G>A on the plus strand (C>T on the coding strand, the complement: PRF1 is on the minus strand). VCF-style: chr10-70598855-G-A. GRCh37 (hg19) VCF-style: chr10-72358611-G-A.
Other names: c.866C>T, p.Thr289Met (NM_005041.6); short protein forms T289M.
Identifiers: ClinVar variation 660806 (VCV000660806.8), dbSNP rs150628656, ClinGen allele CA5538899.